The following is an entry in ClinVar:

ClinVar aggregate classification (germline): Pathogenic. Review status: criteria provided, multiple submitters, no conflicts (2 of 4 stars). 3 submissions from 3 submitters: Pathogenic (3). Last evaluated 2026-06-30.

Conditions:
Breast-ovarian cancer, familial, susceptibility to, 2 (BROVCA2). Also called: BRCA2 Hereditary Breast and Ovarian Cancer. Identifiers: Orphanet 145, MedGen C2675520, MONDO:0012933, OMIM 612555. Disease mechanism: loss of function.
Hereditary cancer-predisposing syndrome. Also called: Neoplastic Syndromes, Hereditary; Tumor predisposition; Hereditary neoplastic syndrome; Hereditary Cancer Syndrome. Identifiers: Orphanet 140162, MedGen C0027672, MeSH D009386, MONDO:0015356.
Hereditary breast ovarian cancer syndrome. Also called: Breast and ovarian cancer; BRCA1- and BRCA2-Associated Hereditary Breast and Ovarian Cancer; Hereditary breast and ovarian cancer syndrome; Hereditary breast and ovarian cancer; Hereditary breast and ovarian cancer syndrome (HBOC); Hereditary breast and/or ovarian cancer syndrome. Identifiers: Orphanet 145, MedGen C0677776, MeSH D061325, MONDO:0003582. Disease mechanism: loss of function.

Submissions (3):

Myriad Genetics, Inc.
Classification: Pathogenic for Breast-ovarian cancer, familial, susceptibility to, 2. Last evaluated: 2026-06-30. Review status: criteria provided, single submitter. Criteria: Myriad Autosomal Dominant, Autosomal Recessive and X-Linked Classification Criteria (2023). Collection method: clinical testing. Allele origin: unknown.
Comment: This variant is considered pathogenic. This variant creates a frameshift predicted to result in premature protein truncation.

Labcorp Genetics (formerly Invitae), Labcorp
Classification: Pathogenic for Hereditary breast ovarian cancer syndrome. Last evaluated: 2022-10-13. Review status: criteria provided, single submitter. Criteria: Invitae Variant Classification Sherloc (09022015). Collection method: clinical testing. Allele origin: germline.
Comment: This variant is not present in population databases (gnomAD no frequency). This sequence change creates a premature translational stop signal (p.Glu2183Asnfs*8) in the BRCA2 gene. It is expected to result in an absent or disrupted protein product. Loss-of-function variants in BRCA2 are known to be pathogenic (PMID: 20104584). For these reasons, this variant has been classified as Pathogenic. ClinVar contains an entry for this variant (Variation ID: 849000). This premature translational stop signal has been observed in individual(s) with breast or ovarian cancer (PMID: 28294317, 30078507).

Color Diagnostics, LLC DBA Color Health
Classification: Pathogenic for Hereditary cancer-predisposing syndrome. Last evaluated: 2020-11-30. Review status: criteria provided, single submitter. Criteria: ACMG Guidelines, 2015. Collection method: clinical testing. Allele origin: germline.
Comment: This variant deletes 1 nucleotide in exon 11 of the BRCA2 gene, creating a frameshift and premature translation stop signal. This variant is expected to result in an absent or non-functional protein product. To our knowledge, functional studies have not been reported for this variant. This variant has been reported in individuals affected with breast or ovarian cancer (PMID: 28294317, 28664449, 30078507). This variant has not been identified in the general population by the Genome Aggregation Database (gnomAD). Loss of BRCA2 function is a known mechanism of disease. Based on the available evidence, this variant is classified as Pathogenic.

Literature cited by the submitters: PubMed 20104584 (cited by Labcorp Genetics (formerly Invitae), Labcorp); PubMed 28294317 (cited by Labcorp Genetics (formerly Invitae), Labcorp); PubMed 30078507 (cited by Labcorp Genetics (formerly Invitae), Labcorp).

NM_000059.4(BRCA2):c.6547del (p.Glu2183fs)

Gene: BRCA2 (BRCA2 DNA repair associated; plus strand). Cytogenetic location: 13q13.1.
Variant type: Deletion.
Coding change: c.6547del on transcript NM_000059.4 (MANE Select); coding-DNA position 6547, one base deleted (G; older notation c.6547delG).
Protein change: p.Glu2183fs; shifts the reading frame from glutamic acid 2183.
Molecular consequence: frameshift variant.
Genome position (GRCh38, 1-based): chr13:32,340,902, G deleted. VCF-style (leftmost placement, unchanged base first): chr13-32340901-AG-A. GRCh37 (hg19) VCF-style: chr13-32915038-AG-A.
Other names: short protein forms E2183fs.
Identifiers: ClinVar variation 849000 (VCV000849000.15), dbSNP rs1566234899, ClinGen allele CA916080216.